The following is an entry in ClinVar:

NM_003283.6(TNNT1):c.107-108G>T

Gene: TNNT1 (troponin T1, slow skeletal type; minus strand). Cytogenetic location: 19q13.42.
Variant type: single nucleotide variant.
Coding change: c.107-108G>T on transcript NM_003283.6 (MANE Select); 108 bases into the intron before coding-DNA position 107, G replaced by T.
Molecular consequence: intron variant.
Genome position (GRCh38, 1-based): chr19:55,145,673, C>A on the plus strand (G>T on the coding strand, the complement: TNNT1 is on the minus strand). VCF-style: chr19-55145673-C-A. GRCh37 (hg19) VCF-style: chr19-55657041-C-A.
Other names: c.74-108G>T (NM_001126133.3, NM_001291774.2); c.107-108G>T (NM_001126132.3).
Identifiers: ClinVar variation 31862 (VCV000031862.5), dbSNP rs2434454, ClinGen allele CA215420.
Genomic context (GRCh38, chr19:55,145,673, plus strand): 5'-GAGAGGGGCTAGGCCTGACACACCCTGGGGAGGGACCCCCCAAGCCTCGGCCCCCAGGAC[C>A]CCAGGGAAGGACTCTGGAGTCCAGTTCTGGAGGAGGGGGGATGGGGAGAAGAAAAGAGGG-3'

ClinVar aggregate classification (germline): Benign. Review status: criteria provided, multiple submitters, no conflicts (2 of 4 stars). 3 submissions from 3 submitters: Benign (2). 1 of the submissions does not count toward it. Last evaluated 2018-06-14.

Allele frequency attached by ClinVar (database versions not stated): gnomAD exomes 0.10763; 1000 Genomes Project 0.14237; gnomAD 0.09768 and 0.10156; 1000 Genomes Project 30x 0.13741; TOPMed 0.10119.

Submissions (3):

GeneDx
Classification: Benign. Last evaluated: 2018-06-14. Review status: criteria provided, single submitter. Criteria: GeneDx Variant Classification (06012015). Collection method: clinical testing. Allele origin: germline. Affected: yes.
Comment: This variant is considered likely benign or benign based on one or more of the following criteria: it is a conservative change, it occurs at a poorly conserved position in the protein, it is predicted to be benign by multiple in silico algorithms, and/or has population frequency not consistent with disease.

Breakthrough Genomics
Classification: Benign. Review status: criteria provided, single submitter. Criteria: ACMG Guidelines, 2015. Collection method: not provided. Allele origin: germline. Inheritance: Autosomal recessive inheritance. Affected: yes.

Leiden Muscular Dystrophy (TNNT1)
No classification provided. Last evaluated: 2012-03-18. Review status: no classification provided. Collection method: curation. Allele origin: germline. Not counted in ClinVar's aggregate classification.